The following is an entry in ClinVar:

ClinVar aggregate classification (germline): Uncertain significance (1 of 4 stars; one submission).

Conditions:
Catecholaminergic polymorphic ventricular tachycardia 1. Also called: RYR2-Related Catecholaminergic Polymorphic Ventricular Tachycardia; VENTRICULAR TACHYCARDIA, CATECHOLAMINERGIC POLYMORPHIC, 1, WITH OR WITHOUT ATRIAL DYSFUNCTION AND/OR DILATED CARDIOMYOPATHY; VENTRICULAR TACHYCARDIA, STRESS-INDUCED POLYMORPHIC 1. Identifiers: Orphanet 3286, MedGen C1631597, MONDO:0011484, OMIM 604772.

Allele frequency attached by ClinVar (database versions not stated): TOPMed below 0.00001; gnomAD 0.00001.
gnomAD v4.1: 5 of 1,562,032 alleles (0.00032%); highest among the groups gnomAD compares: East Asian, 0.012%; no homozygotes.

Submission:

Labcorp Genetics (formerly Invitae), Labcorp
Classification: Uncertain significance for Catecholaminergic polymorphic ventricular tachycardia 1. Last evaluated: 2025-12-20. Review status: criteria provided, single submitter. Criteria: Invitae Variant Classification Sherloc (09022015). Collection method: clinical testing. Allele origin: germline.
Comment: This sequence change replaces valine, which is neutral and non-polar, with leucine, which is neutral and non-polar, at codon 907 of the RYR2 protein (p.Val907Leu). This variant is present in population databases (no rsID available, gnomAD 0.02%). This missense change has been observed in individual(s) with long QT syndrome (PMID: 29434162). ClinVar contains an entry for this variant (Variation ID: 1919345). An algorithm developed to predict the effect of missense changes on protein structure and function (PolyPhen-2) suggests that this variant is likely to be disruptive. In summary, the available evidence is currently insufficient to determine the role of this variant in disease. Therefore, it has been classified as a Variant of Uncertain Significance.

Literature cited by the submitters: PubMed 29434162.

NM_001035.3(RYR2):c.2719G>C (p.Val907Leu)

Gene: RYR2 (ryanodine receptor 2; plus strand). Cytogenetic location: 1q43.
Variant type: single nucleotide variant.
Coding change: c.2719G>C on transcript NM_001035.3 (MANE Select); coding-DNA position 2719, G replaced by C.
Protein change: p.Val907Leu; replaces valine 907 with leucine.
Molecular consequence: missense variant.
Genome position (GRCh38, 1-based): chr1:237,511,688, G>C. VCF-style: chr1-237511688-G-C. GRCh37 (hg19) VCF-style: chr1-237674988-G-C.
Other names: short protein forms V907L.
Identifiers: ClinVar variation 1919345 (VCV001919345.5), dbSNP rs1169627115, ClinGen allele CA345383013.